The following is an entry in ClinVar:

NM_002528.7(NTHL1):c.797T>G (p.Leu266Arg)

Gene: NTHL1 (nth like DNA glycosylase 1; minus strand). Cytogenetic location: 16p13.3.
Variant type: single nucleotide variant.
Coding change: c.797T>G on transcript NM_002528.7 (MANE Select); coding-DNA position 797, T replaced by G.
Protein change: p.Leu266Arg; replaces leucine 266 with arginine.
Molecular consequence: missense variant.
Genome position (GRCh38, 1-based): chr16:2,040,042, A>C on the plus strand (T>G on the coding strand, the complement: NTHL1 is on the minus strand). VCF-style: chr16-2040042-A-C. GRCh37 (hg19) VCF-style: chr16-2090043-A-C.
Other names: c.626T>G, p.Leu209Arg (NM_001318193.2); c.467T>G, p.Leu156Arg (NM_001318194.2); short protein forms L266R, L156R, L209R.
Identifiers: ClinVar variation 1762519 (VCV001762519.2), dbSNP rs763770399, ClinGen allele CA394287608.

ClinVar aggregate classification (germline): Uncertain significance (1 of 4 stars; one submission).

Conditions:
Hereditary cancer-predisposing syndrome. Also called: Neoplastic Syndromes, Hereditary; Tumor predisposition; Hereditary Cancer Syndrome; Hereditary neoplastic syndrome. Identifiers: Orphanet 140162, MedGen C0027672, MeSH D009386, MONDO:0015356.

Submission:

Ambry Genetics
Classification: Uncertain significance for Hereditary cancer-predisposing syndrome. Last evaluated: 2022-03-12. Review status: criteria provided, single submitter. Criteria: Ambry Variant Classification Scheme 2023. Collection method: clinical testing. Allele origin: germline.
Comment: The p.L274R variant (also known as c.821T>G), located in coding exon 6 of the NTHL1 gene, results from a T to G substitution at nucleotide position 821. The leucine at codon 274 is replaced by arginine, an amino acid with dissimilar properties. This amino acid position is conserved. In addition, this alteration is predicted to be deleterious by in silico analysis. Since supporting evidence is limited at this time, the clinical significance of this alteration remains unclear.